The following is an entry in ClinVar:

ClinVar aggregate classification (germline): Pathogenic (1 of 4 stars; one submission).

Conditions:
Duchenne muscular dystrophy (DMD). Also called: MUSCULAR DYSTROPHY, PSEUDOHYPERTROPHIC PROGRESSIVE, DUCHENNE TYPE; Duchenne Muscular Dystrophy (DMD). Identifiers: Orphanet 98896, MedGen C0013264, MONDO:0010679, OMIM 310200.

Submission:

Labcorp Genetics (formerly Invitae), Labcorp
Classification: Pathogenic for Duchenne muscular dystrophy. Last evaluated: 2021-01-15. Review status: criteria provided, single submitter. Criteria: Invitae Variant Classification Sherloc (09022015). Collection method: clinical testing. Allele origin: germline.
Comment: This variant results in a copy number gain of the genomic region encompassing exons 8-13 of the DMD gene. While the exact position of this variant cannot be determined from this data, sub-genic copy number gains are generally in tandem (PMID: 25640679) and may result in an absent or disrupted protein product. A similar copy number variant has been observed in individual(s) with Duchenne or Becker muscular dystrophy (PMID: 12111668). Loss-of-function variants in DMD are known to be pathogenic (PMID: 16770791, 25007885). For these reasons, this variant has been classified as Pathogenic.

Literature cited by the submitters: PubMed 25640679; PubMed 12111668; PubMed 16770791; PubMed 25007885.

NC_000023.10:g.(?_32613864)_(32717420_?)dup

Gene: DMD (dystrophin; minus strand). Cytogenetic location: Xp21.1.
Variant type: Duplication.
Identifiers: ClinVar variation 1076755 (VCV001076755.2).